The following is an entry in ClinVar:

ClinVar aggregate classification (germline): Uncertain significance. Review status: criteria provided, multiple submitters, no conflicts (2 of 4 stars). 2 submissions from 2 submitters: Uncertain significance (2). Last evaluated 2024-09-10.

Conditions:
Inborn genetic diseases. Identifiers: MedGen C0950123, MeSH D030342.

gnomAD v4.1: 29 of 1,613,576 alleles (0.0018%); highest among the groups gnomAD compares: South Asian, 0.0055%; no homozygotes.

Submissions (2):

Ambry Genetics
Classification: Uncertain significance for Inborn genetic diseases. Last evaluated: 2024-09-10. Review status: criteria provided, single submitter. Criteria: Ambry Variant Classification Scheme 2023. Collection method: clinical testing. Allele origin: germline.

GeneDx
Classification: Uncertain significance. Last evaluated: 2024-05-06. Review status: criteria provided, single submitter. Criteria: GeneDx Variant Classification Process June 2021. Collection method: clinical testing. Allele origin: germline. Affected: yes.
Comment: In silico analysis indicates that this missense variant does not alter protein structure/function; Has not been previously published as pathogenic or benign to our knowledge

NM_001127453.2(GSDME):c.1051C>T (p.Arg351Trp)

Gene: GSDME (gasdermin E; minus strand). Cytogenetic location: 7p15.3.
Variant type: single nucleotide variant.
Coding change: c.1051C>T on transcript NM_001127453.2 (MANE Select); coding-DNA position 1051, C replaced by T.
Protein change: p.Arg351Trp; replaces arginine 351 with tryptophan.
Molecular consequence: missense variant.
Genome position (GRCh38, 1-based): chr7:24,706,316, G>A on the plus strand (C>T on the coding strand, the complement: GSDME is on the minus strand). VCF-style: chr7-24706316-G-A. GRCh37 (hg19) VCF-style: chr7-24745935-G-A.
Other names: c.559C>T, p.Arg187Trp (NM_001127454.2); c.1051C>T, p.Arg351Trp (NM_004403.3); short protein forms R187W, R351W.
Identifiers: ClinVar variation 3375934 (VCV003375934.2).